The following is an entry in ClinVar:

NM_014484.5(MOCS3):c.530C>A (p.Ala177Asp)

Gene: MOCS3 (molybdenum cofactor synthesis 3; plus strand). Cytogenetic location: 20q13.13.
Variant type: single nucleotide variant.
Coding change: c.530C>A on transcript NM_014484.5 (MANE Select); coding-DNA position 530, C replaced by A.
Protein change: p.Ala177Asp; replaces alanine 177 with aspartic acid.
Molecular consequence: missense variant.
Genome position (GRCh38, 1-based): chr20:50,959,372, C>A. VCF-style: chr20-50959372-C-A. GRCh37 (hg19) VCF-style: chr20-49575909-C-A.
Other names: short protein forms A177D.
Identifiers: ClinVar variation 3719398 (VCV003719398.2).

ClinVar aggregate classification (germline): Uncertain significance (1 of 4 stars; one submission).

gnomAD v4.1: 13 of 1,612,328 alleles (0.00081%); highest among the groups gnomAD compares: Non-Finnish European, 0.001%; no homozygotes.

Submission:

Labcorp Genetics (formerly Invitae), Labcorp
Classification: Uncertain significance. Last evaluated: 2024-02-16. Review status: criteria provided, single submitter. Criteria: Invitae Variant Classification Sherloc (09022015). Collection method: clinical testing. Allele origin: germline.
Comment: This sequence change replaces alanine, which is neutral and non-polar, with aspartic acid, which is acidic and polar, at codon 177 of the MOCS3 protein (p.Ala177Asp). This variant is present in population databases (rs759994702, gnomAD 0.005%). This variant has not been reported in the literature in individuals affected with MOCS3-related conditions. An algorithm developed to predict the effect of missense changes on protein structure and function (PolyPhen-2) suggests that this variant is likely to be disruptive. In summary, the available evidence is currently insufficient to determine the role of this variant in disease. Therefore, it has been classified as a Variant of Uncertain Significance.